The following is an entry in ClinVar:

ClinVar aggregate classification (germline): Likely benign (0 of 4 stars; one submission).

Conditions:
SEMA3F-related disorder. Also called: SEMA3F-related condition.

Allele frequency attached by ClinVar (database versions not stated): gnomAD 0.00001.
gnomAD v4.1: 12 of 1,607,298 alleles (0.00075%); highest among the groups gnomAD compares: Non-Finnish European, 0.00094%; no homozygotes.

Submission:

PreventionGenetics, part of Exact Sciences
Classification: Likely benign for SEMA3F-related condition. Last evaluated: 2023-02-15. Review status: no assertion criteria provided. Collection method: clinical testing. Allele origin: germline.
Comment: This variant is classified as likely benign based on ACMG/AMP sequence variant interpretation guidelines (Richards et al. 2015 PMID: 25741868, with internal and published modifications).

NM_004186.5(SEMA3F):c.9C>T (p.Val3=)

Gene: SEMA3F (semaphorin 3F; plus strand). Cytogenetic location: 3p21.31.
Variant type: single nucleotide variant.
Coding change: c.9C>T on transcript NM_004186.5 (MANE Select); coding-DNA position 9, C replaced by T.
Protein change: p.Val3=; no amino-acid change (valine 3 retained).
Molecular consequence: synonymous variant. On other transcripts: intron variant (1).
Genome position (GRCh38, 1-based): chr3:50,159,631, C>T. VCF-style: chr3-50159631-C-T. GRCh37 (hg19) VCF-style: chr3-50197064-C-T.
Other names: c.9C>T, p.Val3= (NM_001318800.2); c.-135-61C>T (NM_001318798.2).
Identifiers: ClinVar variation 3054789 (VCV003054789.2), dbSNP rs201913041, ClinGen allele CA74603893.